The following is an entry in ClinVar:

ClinVar aggregate classification (germline): Uncertain significance (1 of 4 stars; one submission).

gnomAD v4.1: 40 of 1,493,024 alleles (0.0027%); highest among the groups gnomAD compares: Non-Finnish European, 0.0034%; no homozygotes.

Submission:

GeneDx
Classification: Uncertain significance. Last evaluated: 2025-11-13. Review status: criteria provided, single submitter. Criteria: GeneDx Variant Classification Process June 2021. Collection method: clinical testing. Allele origin: germline. Affected: yes.
Comment: Not observed at significant frequency in large population cohorts (gnomAD); In silico analysis suggests that this missense variant does not alter protein structure/function; Has not been previously published as pathogenic or benign to our knowledge

NM_006012.4(CLPP):c.113T>C (p.Leu38Pro)

Gene: CLPP (caseinolytic mitochondrial matrix peptidase proteolytic subunit; plus strand). Cytogenetic location: 19p13.3.
Variant type: single nucleotide variant.
Coding change: c.113T>C on transcript NM_006012.4 (MANE Select); coding-DNA position 113, T replaced by C.
Protein change: p.Leu38Pro; replaces leucine 38 with proline.
Molecular consequence: missense variant.
Genome position (GRCh38, 1-based): chr19:6,361,687, T>C. VCF-style: chr19-6361687-T-C. GRCh37 (hg19) VCF-style: chr19-6361698-T-C.
Other names: short protein forms L38P.
Identifiers: ClinVar variation 3383602 (VCV003383602.2).